The following is an entry in ClinVar:

ClinVar aggregate classification (germline): Likely benign. Review status: criteria provided, multiple submitters, no conflicts (2 of 4 stars). 3 submissions from 3 submitters: Likely benign (3). Last evaluated 2026-09-15.

Conditions:
HMCN1-related disorder. Also called: HMCN1-related condition.

Allele frequency attached by ClinVar (database versions not stated): ExAC 0.00145; gnomAD exomes 0.00149 and 0.00211; gnomAD 0.00157 and 0.00160; ESP Exome Variant Server 0.00160; TOPMed 0.00160; 1000 Genomes Project 0.00140.

Submissions (6):

PreventionGenetics, part of Exact Sciences
Classification: Likely benign for HMCN1-related condition. Last evaluated: 2026-09-15. Review status: criteria provided, single submitter. Criteria: ACMG Guidelines, 2015. Collection method: clinical testing. Allele origin: germline.
Comment: This variant is classified as likely benign based on ACMG/AMP sequence variant interpretation guidelines (Richards et al. 2015 PMID: 25741868, with internal and published modifications).

Labcorp Genetics (formerly Invitae), Labcorp
Classification: Likely benign. Last evaluated: 2026-01-24. Review status: criteria provided, single submitter. Criteria: Invitae Variant Classification Sherloc (09022015). Collection method: clinical testing. Allele origin: germline.

CeGaT Center for Human Genetics Tuebingen
Classification: Likely benign. Last evaluated: 2025-06-01. Review status: criteria provided, single submitter. Criteria: CeGaT Center For Human Genetics Tuebingen Variant Classification Criteria Version 2. Collection method: clinical testing. Allele origin: germline. Affected: yes. Observed: 1 variant allele.
Comment: HMCN1: BS1

Dr. Peter K. Rogan Lab, Western University
No classification provided (evidence only). Condition: Familial cancer of breast. Review status: no classification provided. Collection method: in vitro. Allele origin: not applicable. Functional consequence: skipped exon. Not counted in ClinVar's aggregate classification.

Dr. Peter K. Rogan Lab, Western University
No classification provided (evidence only). Condition: Familial pancreatic carcinoma. Review status: no classification provided. Collection method: in vitro. Allele origin: not applicable. Functional consequence: skipped exon, retained intron. Not counted in ClinVar's aggregate classification.

Dr. Peter K. Rogan Lab, Western University
No classification provided (evidence only). Condition: Familial pancreatic carcinoma. Review status: no classification provided. Collection method: in vitro. Allele origin: not applicable. Functional consequence: skipped exon. Not counted in ClinVar's aggregate classification.

NM_031935.3(HMCN1):c.4631-6_4635del

Gene: HMCN1 (hemicentin 1; plus strand). Cytogenetic location: 1q31.1.
Variant type: Deletion.
Coding change: c.4631-6_4635del on transcript NM_031935.3 (MANE Select); 6 bases into the intron before coding-DNA position 4631 through coding-DNA position 4635, 11 bases deleted (TTGTAGTTCCA).
Molecular consequence: splice acceptor variant.
Genome position (GRCh38, 1-based): chr1:186,015,153-186,015,163, TTGTAGTTCCA deleted. VCF-style (leftmost placement, unchanged base first): chr1-186015152-TTTGTAGTTCCA-T. GRCh37 (hg19) VCF-style: chr1-185984284-TTTGTAGTTCCA-T.
Other names: c.4631-6_4635del11 (NM_031935.2).
Identifiers: ClinVar variation 1539292 (VCV001539292.17), dbSNP rs568290303, ClinGen allele CA1292078.